The following is an entry in ClinVar:

ClinVar aggregate classification (germline): Uncertain significance (1 of 4 stars; one submission).

Conditions:
Hereditary cancer-predisposing syndrome. Also called: Hereditary Cancer Syndrome; Hereditary neoplastic syndrome; Neoplastic Syndromes, Hereditary; Tumor predisposition. Identifiers: Orphanet 140162, MedGen C0027672, MeSH D009386, MONDO:0015356.

Allele frequency attached by ClinVar (database versions not stated): gnomAD exomes below 0.00001.
gnomAD v4.1: 1 of 1,614,136 alleles (0.000062%); highest among the groups gnomAD compares: South Asian, 0.0011%; no homozygotes.

Submission:

Ambry Genetics
Classification: Uncertain significance for Hereditary cancer-predisposing syndrome. Last evaluated: 2026-08-25. Review status: criteria provided, single submitter. Criteria: Ambry Variant Classification Scheme 2023. Collection method: clinical testing. Allele origin: germline.
Comment: The p.D153Y variant (also known as c.457G>T), located in coding exon 4 of the TSC1 gene, results from a G to T substitution at nucleotide position 457. The aspartic acid at codon 153 is replaced by tyrosine, an amino acid with highly dissimilar properties. This amino acid position is well conserved in available vertebrate species. In addition, this alteration is predicted to be deleterious by in silico analysis. Based on the available evidence, the clinical significance of this variant remains unclear.

NM_000368.5(TSC1):c.457G>T (p.Asp153Tyr)

Gene: TSC1 (TSC complex subunit 1; minus strand). Cytogenetic location: 9q34.13.
Variant type: single nucleotide variant.
Coding change: c.457G>T on transcript NM_000368.5 (MANE Select); coding-DNA position 457, G replaced by T.
Protein change: p.Asp153Tyr; replaces aspartic acid 153 with tyrosine.
Molecular consequence: missense variant.
Genome position (GRCh38, 1-based): chr9:132,923,399, C>A on the plus strand (G>T on the coding strand, the complement: TSC1 is on the minus strand). VCF-style: chr9-132923399-C-A. GRCh37 (hg19) VCF-style: chr9-135798786-C-A.
Other names: c.457G>T, p.Asp153Tyr (NM_001162426.2, NM_001406592.1, NM_001406593.1 and 16 more transcripts); c.304G>T, p.Asp102Tyr (NM_001162427.2, NM_001406610.1, NM_001406611.1 and 2 more transcripts); c.94G>T, p.Asp32Tyr (NM_001362177.2, NM_001406614.1, NM_001406615.1 and 10 more transcripts); c.-421G>T (NM_001406626.1, NM_001406627.1, NM_001406628.1); c.-563G>T (NM_001406629.1); c.-637G>T (NM_001406630.1); short protein forms D153Y, D32Y, D102Y.
Identifiers: ClinVar variation 1741634 (VCV001741634.3), dbSNP rs2539038828, ClinGen allele CA375373336.